The following is an entry in ClinVar:

ClinVar aggregate classification (germline): Uncertain significance. Review status: criteria provided, multiple submitters, no conflicts (2 of 4 stars). 2 submissions from 2 submitters: Uncertain significance (2). Last evaluated 2025-11-03.

Allele frequency attached by ClinVar (database versions not stated): TOPMed 0.00001; ExAC 0.00001; gnomAD 0.00001; gnomAD exomes 0.00001.
gnomAD v4.1: 16 of 1,612,114 alleles (0.00099%); highest among the groups gnomAD compares: Non-Finnish European, 0.00042%; no homozygotes.

Submissions (2):

Labcorp Genetics (formerly Invitae), Labcorp
Classification: Uncertain significance. Last evaluated: 2025-11-03. Review status: criteria provided, single submitter. Criteria: Invitae Variant Classification Sherloc (09022015). Collection method: clinical testing. Allele origin: germline.
Comment: This sequence change replaces asparagine, which is neutral and polar, with aspartic acid, which is acidic and polar, at codon 130 of the RASA2 protein (p.Asn130Asp). This variant is present in population databases (rs200373783, gnomAD 0.05%). This variant has not been reported in the literature in individuals affected with RASA2-related conditions. ClinVar contains an entry for this variant (Variation ID: 2561488). Invitae Evidence Modeling of protein sequence and biophysical properties (such as structural, functional, and spatial information, amino acid conservation, physicochemical variation, residue mobility, and thermodynamic stability) indicates that this missense variant is not expected to disrupt RASA2 protein function with a negative predictive value of 80%. In summary, the available evidence is currently insufficient to determine the role of this variant in disease. Therefore, it has been classified as a Variant of Uncertain Significance.

Ambry Genetics
Classification: Uncertain significance. Last evaluated: 2024-12-09. Review status: criteria provided, single submitter. Criteria: Ambry Variant Classification Scheme 2023. Collection method: clinical testing. Allele origin: germline.

NM_006506.5(RASA2):c.388A>G (p.Asn130Asp)

Gene: RASA2 (RAS p21 protein activator 2; plus strand). Cytogenetic location: 3q23.
Variant type: single nucleotide variant.
Coding change: c.388A>G on transcript NM_006506.5 (MANE Select); coding-DNA position 388, A replaced by G.
Protein change: p.Asn130Asp; replaces asparagine 130 with aspartic acid.
Molecular consequence: missense variant.
Genome position (GRCh38, 1-based): chr3:141,529,740, A>G. VCF-style: chr3-141529740-A-G. GRCh37 (hg19) VCF-style: chr3-141248582-A-G.
Other names: c.388A>G, p.Asn130Asp (NM_001303245.3, NM_001303246.3); short protein forms N130D.
Identifiers: ClinVar variation 2561488 (VCV002561488.6), dbSNP rs200373783, ClinGen allele CA2645182.
Genomic context (GRCh38, chr3:141,529,740, plus strand): 5'-CTTATATTGTTTTACTTATTTTCTGTAGGAAAAGTAGCCATCAAAAAAGAAGACTTGTGT[A>G]ATCACAGTGGCAAAGAAACTTGGTTTTCATTACAGCCTGTTGACTCCAATTCAGAGGTTC-3'
Protein context (NP_006497.2, residues 120-140): KVAIKKEDLC[Asn130Asp]HSGKETWFSL